The following is an entry in ClinVar:

NM_004408.4(DNM1):c.535T>A (p.Ser179Thr)

Genes: DNM1 (dynamin 1; plus strand), LOC113839516 (Sharpr-MPRA regulatory region 8497; plus strand). Cytogenetic location: 9q34.11.
Variant type: single nucleotide variant.
Coding change: c.535T>A on transcript NM_004408.4 (MANE Select); coding-DNA position 535, T replaced by A.
Protein change: p.Ser179Thr; replaces serine 179 with threonine.
Molecular consequence: missense variant.
Genome position (GRCh38, 1-based): chr9:128,219,198, T>A. VCF-style: chr9-128219198-T-A. GRCh37 (hg19) VCF-style: chr9-130981477-T-A.
Other names: c.535T>A, p.Ser179Thr (NM_001005336.3, NM_001288737.2, NM_001288738.2 and 2 more transcripts); short protein forms S179T.
Identifiers: ClinVar variation 2697104 (VCV002697104.3), dbSNP rs1564328788, ClinGen allele CA375011457.

ClinVar aggregate classification (germline): Uncertain significance (1 of 4 stars; one submission).

Conditions:
Developmental and epileptic encephalopathy, 31A. Also called: Developmental and epileptic encephalopathy, 31; Epileptic encephalopathy, early infantile, 31. Identifiers: Orphanet 2382, MedGen C4225357, MONDO:0014598, OMIM 616346.

Submission:

Labcorp Genetics (formerly Invitae), Labcorp
Classification: Uncertain significance for Developmental and epileptic encephalopathy, 31A. Last evaluated: 2023-11-18. Review status: criteria provided, single submitter. Criteria: Invitae Variant Classification Sherloc (09022015). Collection method: clinical testing. Allele origin: germline.
Comment: This sequence change replaces serine, which is neutral and polar, with threonine, which is neutral and polar, at codon 179 of the DNM1 protein (p.Ser179Thr). This variant is not present in population databases (gnomAD no frequency). This variant has not been reported in the literature in individuals affected with DNM1-related conditions. Advanced modeling of protein sequence and biophysical properties (such as structural, functional, and spatial information, amino acid conservation, physicochemical variation, residue mobility, and thermodynamic stability) performed at Invitae indicates that this missense variant is not expected to disrupt DNM1 protein function with a negative predictive value of 80%. In summary, the available evidence is currently insufficient to determine the role of this variant in disease. Therefore, it has been classified as a Variant of Uncertain Significance.